The following is an entry in ClinVar:

ClinVar aggregate classification (germline): Uncertain significance (1 of 4 stars; one submission).

Conditions:
Early-onset Lafora body disease. Also called: Epilepsy, progressive myoclonic, 10. Identifiers: Orphanet 324290, MedGen C4225258, MONDO:0014717, OMIM 616640.

gnomAD v4.1: 14 of 1,614,122 alleles (0.00087%); highest among the groups gnomAD compares: Non-Finnish European, 0.0012%; no homozygotes.

Submission:

Labcorp Genetics (formerly Invitae), Labcorp
Classification: Uncertain significance for Early-onset Lafora body disease. Last evaluated: 2018-02-27. Review status: criteria provided, single submitter. Criteria: Invitae Variant Classification Sherloc (09022015). Collection method: clinical testing. Allele origin: germline.
Comment: This sequence change replaces serine with arginine at codon 184 of the PRDM8 protein (p.Ser184Arg). The serine residue is moderately conserved and there is a moderate physicochemical difference between serine and arginine. This variant is present in population databases (rs767040118, ExAC 0.003%). This variant has not been reported in the literature in individuals with PRDM8-related disease. Algorithms developed to predict the effect of missense changes on protein structure and function (SIFT, PolyPhen-2, Align-GVGD) all suggest that this variant is likely to be tolerated, but these predictions have not been confirmed by published functional studies and their clinical significance is uncertain. In summary, the available evidence is currently insufficient to determine the role of this variant in disease. Therefore, it has been classified as a Variant of Uncertain Significance.

NM_001099403.2(PRDM8):c.552C>A (p.Ser184Arg)

Genes: PRDM8 (PR/SET domain 8; plus strand), LOC126807094 (CDK7 strongly-dependent group 2 enhancer GRCh37_chr4:81121978-81123177; plus strand). Cytogenetic location: 4q21.21.
Variant type: single nucleotide variant.
Coding change: c.552C>A on transcript NM_001099403.2 (MANE Select); coding-DNA position 552, C replaced by A.
Protein change: p.Ser184Arg; replaces serine 184 with arginine.
Molecular consequence: missense variant.
Genome position (GRCh38, 1-based): chr4:80,202,014, C>A. VCF-style: chr4-80202014-C-A. GRCh37 (hg19) VCF-style: chr4-81123168-C-A.
Other names: c.552C>A, p.Ser184Arg (NM_020226.4); short protein forms S184R.
Identifiers: ClinVar variation 1037877 (VCV001037877.9), dbSNP rs767040118, ClinGen allele CA2982271.